The following is an entry in ClinVar:

ClinVar aggregate classification (germline): Uncertain significance (1 of 4 stars; one submission).

Conditions:
Developmental and epileptic encephalopathy, 9 (DEE9). Also called: Early infantile epileptic encephalopathy 9; EPILEPSY, FEMALE-RESTRICTED, WITH MENTAL RETARDATION; PCDH19-Related X-Linked Female-Limited Epilepsy with Mental Retardation; JUBERG-HELLMAN SYNDROME. Identifiers: Orphanet 101039, Orphanet 2076, MedGen C1848137, MONDO:0010246, OMIM 300088. Disease mechanism: loss of function.

Submission:

Labcorp Genetics (formerly Invitae), Labcorp
Classification: Uncertain significance for Developmental and epileptic encephalopathy, 9. Last evaluated: 2024-03-02. Review status: criteria provided, single submitter. Criteria: Invitae Variant Classification Sherloc (09022015). Collection method: clinical testing. Allele origin: germline.
Comment: This sequence change replaces glutamic acid, which is acidic and polar, with glutamine, which is neutral and polar, at codon 354 of the PCDH19 protein (p.Glu354Gln). This variant is not present in population databases (gnomAD no frequency). This variant has not been reported in the literature in individuals affected with PCDH19-related conditions. Advanced modeling of protein sequence and biophysical properties (such as structural, functional, and spatial information, amino acid conservation, physicochemical variation, residue mobility, and thermodynamic stability) has been performed at Invitae for this missense variant, however the output from this modeling did not meet the statistical confidence thresholds required to predict the impact of this variant on PCDH19 protein function. In summary, the available evidence is currently insufficient to determine the role of this variant in disease. Therefore, it has been classified as a Variant of Uncertain Significance.

NM_001184880.2(PCDH19):c.1060G>C (p.Glu354Gln)

Gene: PCDH19 (protocadherin 19; minus strand). Cytogenetic location: Xq22.1.
Variant type: single nucleotide variant.
Coding change: c.1060G>C on transcript NM_001184880.2 (MANE Select); coding-DNA position 1060, G replaced by C.
Protein change: p.Glu354Gln; replaces glutamic acid 354 with glutamine.
Molecular consequence: missense variant.
Genome position (GRCh38, 1-based): chrX:100,407,538, C>G on the plus strand (G>C on the coding strand, the complement: PCDH19 is on the minus strand). VCF-style: chrX-100407538-C-G. GRCh37 (hg19) VCF-style: chrX-99662536-C-G.
Other names: c.1060G>C, p.Glu354Gln (NM_001105243.2, NM_020766.3); short protein forms E354Q.
Identifiers: ClinVar variation 3636299 (VCV003636299.2).